The following is an entry in ClinVar:

NM_004370.6(COL12A1):c.1427G>C (p.Arg476Thr)

Gene: COL12A1 (collagen type XII alpha 1 chain; minus strand). Cytogenetic location: 6q13.
Variant type: single nucleotide variant.
Coding change: c.1427G>C on transcript NM_004370.6 (MANE Select); coding-DNA position 1427, G replaced by C.
Protein change: p.Arg476Thr; replaces arginine 476 with threonine.
Molecular consequence: missense variant. On other transcripts: intron variant (2).
Genome position (GRCh38, 1-based): chr6:75,183,514, C>G on the plus strand (G>C on the coding strand, the complement: COL12A1 is on the minus strand). VCF-style: chr6-75183514-C-G. GRCh37 (hg19) VCF-style: chr6-75893230-C-G.
Other names: c.1427G>C (NM_004370.5); c.1427G>C, p.Arg476Thr (NM_001424113.1, NM_001424114.1, NM_001424115.1); c.73+19206G>C (NM_001424116.1, NM_080645.3); short protein forms R476T.
Identifiers: ClinVar variation 2940888 (VCV002940888.4), dbSNP rs767743127, ClinGen allele CA364770547.
Genomic context (GRCh38, chr6:75,183,514, plus strand): 5'-TTTTTCAAAGTGAACTCAGTATGAGGATCCCGGCTGTATTGCACAAGACTAATCTGGACC[C>G]TATTTGGTGAAATTTCAAAACTTTTTACAAGAACTTCCAAAAAGGCTCTAACTTTAACAA-3'
Protein context (NP_004361.3, residues 466-486): LVKSFEISPN[Arg476Thr]VQISLVQYSR

ClinVar aggregate classification (germline): Uncertain significance. Review status: criteria provided, multiple submitters, no conflicts (2 of 4 stars). 2 submissions from 2 submitters: Uncertain significance (2). Last evaluated 2025-11-05.

Conditions:
Inborn genetic diseases. Identifiers: MedGen C0950123, MeSH D030342.
Ullrich congenital muscular dystrophy 2 (UCMD2). Identifiers: Orphanet 75840, MedGen C4225314, MONDO:0014654, OMIM 616470.
Bethlem myopathy 2 (BTHLM2). Identifiers: Orphanet 536516, Orphanet 610, MedGen C4225313, MONDO:0034022, OMIM 616471.

gnomAD v4.1: 2 of 1,614,110 alleles (0.00012%); no homozygotes.

Submissions (2):

Labcorp Genetics (formerly Invitae), Labcorp
Classification: Uncertain significance for Bethlem myopathy 2; Ullrich congenital muscular dystrophy 2. Last evaluated: 2025-11-05. Review status: criteria provided, single submitter. Criteria: Invitae Variant Classification Sherloc (09022015). Collection method: clinical testing. Allele origin: germline.
Comment: This sequence change replaces arginine, which is basic and polar, with threonine, which is neutral and polar, at codon 476 of the COL12A1 protein (p.Arg476Thr). This variant is present in population databases (no rsID available, gnomAD 0.01%). This variant has not been reported in the literature in individuals affected with COL12A1-related conditions. ClinVar contains an entry for this variant (Variation ID: 2940888). Invitae Evidence Modeling of protein sequence and biophysical properties (such as structural, functional, and spatial information, amino acid conservation, physicochemical variation, residue mobility, and thermodynamic stability) indicates that this missense variant is not expected to disrupt COL12A1 protein function with a negative predictive value of 80%. In summary, the available evidence is currently insufficient to determine the role of this variant in disease. Therefore, it has been classified as a Variant of Uncertain Significance.

Ambry Genetics
Classification: Uncertain significance for Inborn genetic diseases. Last evaluated: 2025-05-05. Review status: criteria provided, single submitter. Criteria: Ambry Variant Classification Scheme 2023. Collection method: clinical testing. Allele origin: germline.